The following is an entry in ClinVar:

ClinVar aggregate classification (germline): Uncertain significance. Review status: criteria provided, multiple submitters, no conflicts (2 of 4 stars). 3 submissions from 3 submitters: Uncertain significance (3). Last evaluated 2025-11-22.

Conditions:
Hereditary cancer-predisposing syndrome. Also called: Neoplastic Syndromes, Hereditary; Tumor predisposition; Hereditary neoplastic syndrome; Hereditary Cancer Syndrome. Identifiers: Orphanet 140162, MedGen C0027672, MeSH D009386, MONDO:0015356.
Oligodontia-cancer predisposition syndrome. Also called: TOOTH AGENESIS-COLORECTAL CANCER SYNDROME. Identifiers: Orphanet 300576, MedGen C1837750, MONDO:0012075, OMIM 608615. Disease mechanism: loss of function.

gnomAD v4.1: 3 of 1,613,668 alleles (0.00019%); highest among the groups gnomAD compares: Admixed American, 0.0017%; no homozygotes.

Submissions (3):

Ambry Genetics
Classification: Uncertain significance for Hereditary cancer-predisposing syndrome. Last evaluated: 2025-11-22. Review status: criteria provided, single submitter. Criteria: Ambry Variant Classification Scheme 2023. Collection method: clinical testing. Allele origin: germline.
Comment: The p.H517R variant (also known as c.1550A>G), located in coding exon 5 of the AXIN2 gene, results from an A to G substitution at nucleotide position 1550. The histidine at codon 517 is replaced by arginine, an amino acid with highly similar properties. This amino acid position is conserved. In addition, the in silico prediction for this alteration is inconclusive. Based on the available evidence, the clinical significance of this variant remains unclear.

Quest Diagnostics Nichols Institute San Juan Capistrano
Classification: Uncertain significance. Last evaluated: 2024-08-09. Review status: criteria provided, single submitter. Criteria: Quest Diagnostics criteria. Collection method: clinical testing. Allele origin: unknown.
Comment: The AXIN2 c.1550A>G (p.His517Arg) variant has not been reported in individuals with AXIN2-related conditions in the published literature. The frequency of this variant in the general population, 0.000004 (1/251402 chromosomes (Genome Aggregation Database)), is uninformative in the assessment of its pathogenicity. Analysis of this variant using bioinformatics tools for the prediction of the effect of amino acid changes on protein structure and function yielded predictions that this variant is damaging. Based on the available information, we are unable to determine the clinical significance of this variant.

Labcorp Genetics (formerly Invitae), Labcorp
Classification: Uncertain significance for Oligodontia-cancer predisposition syndrome. Last evaluated: 2023-09-27. Review status: criteria provided, single submitter. Criteria: Invitae Variant Classification Sherloc (09022015). Collection method: clinical testing. Allele origin: germline.
Comment: This sequence change replaces histidine, which is basic and polar, with arginine, which is basic and polar, at codon 517 of the AXIN2 protein (p.His517Arg). This variant is present in population databases (rs769644525, gnomAD 0.003%). This variant has not been reported in the literature in individuals affected with AXIN2-related conditions. Advanced modeling of protein sequence and biophysical properties (such as structural, functional, and spatial information, amino acid conservation, physicochemical variation, residue mobility, and thermodynamic stability) performed at Invitae indicates that this missense variant is expected to disrupt AXIN2 protein function. In summary, the available evidence is currently insufficient to determine the role of this variant in disease. Therefore, it has been classified as a Variant of Uncertain Significance.

NM_004655.4(AXIN2):c.1550A>G (p.His517Arg)

Gene: AXIN2 (axin 2; minus strand). Cytogenetic location: 17q24.1.
Variant type: single nucleotide variant.
Coding change: c.1550A>G on transcript NM_004655.4 (MANE Select); coding-DNA position 1550, A replaced by G.
Protein change: p.His517Arg; replaces histidine 517 with arginine.
Molecular consequence: missense variant.
Genome position (GRCh38, 1-based): chr17:65,537,486, T>C on the plus strand (A>G on the coding strand, the complement: AXIN2 is on the minus strand). VCF-style: chr17-65537486-T-C. GRCh37 (hg19) VCF-style: chr17-63533604-T-C.
Other names: c.1550A>G, p.His517Arg (NM_001363813.1); short protein forms H517R.
Identifiers: ClinVar variation 2718154 (VCV002718154.5), dbSNP rs769644525, ClinGen allele CA8718618.